The following is an entry in ClinVar:

ClinVar aggregate classification (germline): Likely pathogenic (1 of 4 stars; one submission).

Conditions:
Familial thoracic aortic aneurysm and aortic dissection (TAAD). Also called: Thoracic aortic aneurysms and dissections. Identifiers: Orphanet 91387, MedGen C4707243, MONDO:0019625.

Submission:

Clinical Genetic Center, Kansai Medical University
Classification: Likely pathogenic for Familial thoracic aortic aneurysm and aortic dissection. Last evaluated: 2026-02-26. Review status: criteria provided, single submitter. Criteria: ACMG Guidelines, 2015. Collection method: clinical testing. Allele origin: germline. Inheritance: Autosomal dominant inheritance. Affected: yes. Observed: 1 variant allele.
Comment: • PM1 (Mod): Substitution of conserved Ca-binding residue. • PS4_sup: Reported in Yoo et al. (2010).

NM_000138.5(FBN1):c.6740A>T (p.Asp2247Val)

Gene: FBN1 (fibrillin 1; minus strand). Cytogenetic location: 15q21.1.
Variant type: single nucleotide variant.
Coding change: c.6740A>T on transcript NM_000138.5 (MANE Select); coding-DNA position 6740, A replaced by T.
Protein change: p.Asp2247Val; replaces aspartic acid 2247 with valine.
Molecular consequence: missense variant.
Genome position (GRCh38, 1-based): chr15:48,430,802, T>A on the plus strand (A>T on the coding strand, the complement: FBN1 is on the minus strand). VCF-style: chr15-48430802-T-A. GRCh37 (hg19) VCF-style: chr15-48722999-T-A.
Other names: c.6740A>T, p.Asp2247Val (NM_001406716.1); short protein forms D2247V.
Identifiers: ClinVar variation 4813325 (VCV004813325.1).